The following is an entry in ClinVar:

NM_001080397.3(SLC45A1):c.626C>T (p.Ser209Leu)

Gene: SLC45A1 (solute carrier family 45 member 1; plus strand). Cytogenetic location: 1p36.23.
Variant type: single nucleotide variant.
Coding change: c.626C>T on transcript NM_001080397.3 (MANE Select); coding-DNA position 626, C replaced by T.
Protein change: p.Ser209Leu; replaces serine 209 with leucine.
Molecular consequence: missense variant.
Genome position (GRCh38, 1-based): chr1:8,325,953, C>T. VCF-style: chr1-8325953-C-T. GRCh37 (hg19) VCF-style: chr1-8386013-C-T.
Other names: c.728C>T (NM_001080397.2); c.626C>T, p.Ser209Leu (NM_001379614.1); c.533C>T, p.Ser178Leu (NM_001379615.1, NM_001379616.1); c.20C>T, p.Ser7Leu (NM_001379617.1, NM_001379618.1); short protein forms S7L, S209L, S178L.
Identifiers: ClinVar variation 2591983 (VCV002591983.3), dbSNP rs747114469, ClinGen allele CA570146.
Genomic context (GRCh38, chr1:8,325,953, plus strand): 5'-ACAAGTGGGGCCTGCTGCTGACCGTGTGCGGTGTGGTGCTGATGGACTTTAGCGCCGACT[C>T]GGCGGACAACCCCAGCCACGCCTACATGATGGACGTGTGCAGCCCCGCAGACCAGGACCG-3'
Protein context (NP_001073866.3, residues 199-219): GVVLMDFSAD[Ser209Leu]ADNPSHAYMM

ClinVar aggregate classification (germline): Uncertain significance. Review status: criteria provided, multiple submitters, no conflicts (2 of 4 stars). 2 submissions from 2 submitters: Uncertain significance (2). Last evaluated 2025-06-10.

Allele frequency attached by ClinVar (database versions not stated): gnomAD 0.00002; ExAC 0.00004.
gnomAD v4.1: 25 of 1,613,272 alleles (0.0015%); highest among the groups gnomAD compares: Admixed American, 0.01%; no homozygotes.

Submissions (2):

GeneDx
Classification: Uncertain significance. Last evaluated: 2025-06-10. Review status: criteria provided, single submitter. Criteria: GeneDx Variant Classification Process June 2021. Collection method: clinical testing. Allele origin: germline. Affected: yes.
Comment: In silico analysis suggests that this missense variant does not alter protein structure/function; Has not been previously published as pathogenic or benign to our knowledge

Ambry Genetics
Classification: Uncertain significance. Last evaluated: 2023-08-21. Review status: criteria provided, single submitter. Criteria: Ambry Variant Classification Scheme 2023. Collection method: clinical testing. Allele origin: germline.